The following is an entry in ClinVar:

NM_001378778.1(MPDZ):c.3742-2A>G

Gene: MPDZ (multiple PDZ domain crumbs cell polarity complex component; minus strand). Cytogenetic location: 9p23.
Variant type: single nucleotide variant.
Coding change: c.3742-2A>G on transcript NM_001378778.1 (MANE Select); the canonical splice acceptor site of the intron before coding-DNA position 3742, A replaced by G.
Molecular consequence: splice acceptor variant. On other transcripts: intron variant (14).
Genome position (GRCh38, 1-based): chr9:13,143,566, T>C on the plus strand (A>G on the coding strand, the complement: MPDZ is on the minus strand). VCF-style: chr9-13143566-T-C. GRCh37 (hg19) VCF-style: chr9-13143565-T-C.
Other names: c.3631-3417A>G (NM_001375421.1, NM_001375425.1, NM_001375420.1 and 4 more transcripts); c.3742-3417A>G (NM_001375419.1, NM_001375416.1, NM_001375418.1 and 3 more transcripts); c.3742-2A>G (NM_001330637.2, NM_003829.5, NM_001375413.1); c.3433-3417A>G (NM_001375427.1).
Identifiers: ClinVar variation 3724548 (VCV003724548.2).

ClinVar aggregate classification (germline): Likely pathogenic (1 of 4 stars; one submission).

Submission:

Labcorp Genetics (formerly Invitae), Labcorp
Classification: Likely pathogenic. Last evaluated: 2024-11-03. Review status: criteria provided, single submitter. Criteria: Invitae Variant Classification Sherloc (09022015). Collection method: clinical testing. Allele origin: germline.
Comment: This sequence change affects an acceptor splice site in intron 26 of the MPDZ gene. It is expected to disrupt RNA splicing. Variants that disrupt the donor or acceptor splice site typically lead to a loss of protein function (PMID: 16199547), and loss-of-function variants in MPDZ are known to be pathogenic (PMID: 23240096, 28556411). This variant is present in population databases (rs764752932, gnomAD 0.01%). This variant has not been reported in the literature in individuals affected with MPDZ-related conditions. Algorithms developed to predict the effect of sequence changes on RNA splicing suggest that this variant may disrupt the consensus splice site. In summary, the currently available evidence indicates that the variant is pathogenic, but additional data are needed to prove that conclusively. Therefore, this variant has been classified as Likely Pathogenic.

Literature cited by the submitters: PubMed 16199547; PubMed 23240096; PubMed 28556411.